The following is an entry in ClinVar:

NM_001349253.2(SCN11A):c.1081T>C (p.Trp361Arg)

Gene: SCN11A (sodium voltage-gated channel alpha subunit 11; minus strand). Cytogenetic location: 3p22.2.
Variant type: single nucleotide variant.
Coding change: c.1081T>C on transcript NM_001349253.2 (MANE Select); coding-DNA position 1081, T replaced by C.
Protein change: p.Trp361Arg; replaces tryptophan 361 with arginine.
Molecular consequence: missense variant.
Genome position (GRCh38, 1-based): chr3:38,910,086, A>G on the plus strand (T>C on the coding strand, the complement: SCN11A is on the minus strand). VCF-style: chr3-38910086-A-G. GRCh37 (hg19) VCF-style: chr3-38951577-A-G.
Other names: c.1081T>C, p.Trp361Arg (NM_014139.3); short protein forms W361R.
Identifiers: ClinVar variation 1786642 (VCV001786642.4), dbSNP rs2470601674, ClinGen allele CA352168430.

ClinVar aggregate classification (germline): Uncertain significance. Review status: criteria provided, multiple submitters, no conflicts (2 of 4 stars). 2 submissions from 2 submitters: Uncertain significance (2). Last evaluated 2025-01-13.

Conditions:
Inborn genetic diseases. Identifiers: MedGen C0950123, MeSH D030342.

Allele frequency attached by ClinVar (database versions not stated): gnomAD exomes below 0.00001.
gnomAD v4.1: 1 of 1,613,916 alleles (0.000062%); highest among the groups gnomAD compares: Non-Finnish European, 0.000085%; no homozygotes.

Submissions (2):

Women's Health and Genetics/Laboratory Corporation of America, LabCorp
Classification: Uncertain significance. Last evaluated: 2025-01-13. Review status: criteria provided, single submitter. Criteria: LabCorp Variant Classification Summary - May 2015. Collection method: clinical testing. Allele origin: germline.
Comment: Variant summary: SCN11A c.1081T>C (p.Trp361Arg) results in a non-conservative amino acid change in the encoded protein sequence. Five of five in-silico tools predict a damaging effect of the variant on protein function. The variant was absent in 251052 control chromosomes. The available data on variant occurrences in the general population are insufficient to allow any conclusion about variant significance. To our knowledge, no occurrence of c.1081T>C in individuals affected with Familial episodic pain syndrome with predominantly lower limb involvement and no experimental evidence demonstrating its impact on protein function have been reported. ClinVar contains an entry for this variant (Variation ID: 1786642). Based on the evidence outlined above, the variant was classified as uncertain significance.

Ambry Genetics
Classification: Uncertain significance for Inborn genetic diseases. Last evaluated: 2020-02-19. Review status: criteria provided, single submitter. Criteria: Ambry Variant Classification Scheme 2023. Collection method: clinical testing. Allele origin: germline.
Comment: The p.W361R variant (also known as c.1081T>C), located in coding exon 8 of the SCN11A gene, results from a T to C substitution at nucleotide position 1081. The tryptophan at codon 361 is replaced by arginine, an amino acid with dissimilar properties. This amino acid position is highly conserved in available vertebrate species. In addition, this alteration is predicted to be deleterious by in silico analysis. Since supporting evidence is limited at this time, the clinical significance of this alteration remains unclear.